The following is an entry in ClinVar:

ClinVar aggregate classification (germline): Uncertain significance (1 of 4 stars; one submission).

Conditions:
Epileptic encephalopathy. Identifiers: MedGen C0543888, HP:0200134.

Allele frequency attached by ClinVar (database versions not stated): gnomAD exomes 0.00001.
gnomAD v4.1: 6 of 1,610,304 alleles (0.00037%); highest among the groups gnomAD compares: Non-Finnish European, 0.00051%; no homozygotes.

Submission:

Labcorp Genetics (formerly Invitae), Labcorp
Classification: Uncertain significance for Epileptic encephalopathy. Last evaluated: 2023-06-19. Review status: criteria provided, single submitter. Criteria: Invitae Variant Classification Sherloc (09022015). Collection method: clinical testing. Allele origin: germline.
Comment: This sequence change replaces isoleucine, which is neutral and non-polar, with valine, which is neutral and non-polar, at codon 561 of the FASN protein (p.Ile561Val). This variant is not present in population databases (gnomAD no frequency). This variant has not been reported in the literature in individuals affected with FASN-related conditions. ClinVar contains an entry for this variant (Variation ID: 1984993). An algorithm developed to predict the effect of missense changes on protein structure and function (PolyPhen-2) suggests that this variant is likely to be tolerated. In summary, the available evidence is currently insufficient to determine the role of this variant in disease. Therefore, it has been classified as a Variant of Uncertain Significance.

NM_004104.5(FASN):c.1681A>G (p.Ile561Val)

Gene: FASN (fatty acid synthase; minus strand). Cytogenetic location: 17q25.3.
Variant type: single nucleotide variant.
Coding change: c.1681A>G on transcript NM_004104.5 (MANE Select); coding-DNA position 1681, A replaced by G.
Protein change: p.Ile561Val; replaces isoleucine 561 with valine.
Molecular consequence: missense variant.
Genome position (GRCh38, 1-based): chr17:82,090,564, T>C on the plus strand (A>G on the coding strand, the complement: FASN is on the minus strand). VCF-style: chr17-82090564-T-C. GRCh37 (hg19) VCF-style: chr17-80048440-T-C.
Other names: short protein forms I561V.
Identifiers: ClinVar variation 1984993 (VCV001984993.4), dbSNP rs2144801452, ClinGen allele CA401559926.
Genomic context (GRCh38, chr17:82,090,564, plus strand): 5'-AGTGGCCGACGATGCCATCTGGCCTCAGCCCCATGCAGCTCAGCAGGTCTATGAGGCCTA[T>C]CTGGGGTGGGAACAGGACACTCAGGTTGCAACCTCCAGCAGGTGCAGCTGTTGGGGGCGG-3'
Protein context (NP_004095.4, residues 551-571): HSFVSLTAIQ[Ile561Val]GLIDLLSCMG